The following is an entry in ClinVar:

ClinVar aggregate classification (germline): Likely benign (1 of 4 stars; one submission).

Allele frequency attached by ClinVar (database versions not stated): gnomAD exomes below 0.00001; TOPMed below 0.00001; gnomAD 0.00001.
gnomAD v4.1: 2 of 1,206,089 alleles (0.00017%); highest among the groups gnomAD compares: Non-Finnish European, 0.00022%; no homozygotes.

Submission:

CeGaT Center for Human Genetics Tuebingen
Classification: Likely benign. Last evaluated: 2023-10-01. Review status: criteria provided, single submitter. Criteria: CeGaT Center For Human Genetics Tuebingen Variant Classification Criteria Version 2. Collection method: clinical testing. Allele origin: germline. Affected: yes. Observed: 1 variant allele.
Comment: NLGN4X: BP1, BP4

NM_181332.3(NLGN4X):c.10C>T (p.Pro4Ser)

Gene: NLGN4X (neuroligin 4 X-linked; minus strand). Cytogenetic location: Xp22.31.
Variant type: single nucleotide variant.
Coding change: c.10C>T on transcript NM_181332.3 (MANE Select); coding-DNA position 10, C replaced by T.
Protein change: p.Pro4Ser; replaces proline 4 with serine.
Molecular consequence: missense variant.
Genome position (GRCh38, 1-based): chrX:6,151,457, G>A on the plus strand (C>T on the coding strand, the complement: NLGN4X is on the minus strand). VCF-style: chrX-6151457-G-A. GRCh37 (hg19) VCF-style: chrX-6069498-G-A.
Other names: c.10C>T, p.Pro4Ser (NM_001282145.2, NM_001282146.2, NM_020742.4); short protein forms P4S.
Identifiers: ClinVar variation 2659906 (VCV002659906.24), dbSNP rs1277406866, ClinGen allele CA412015664.